The following is an entry in ClinVar:

ClinVar aggregate classification (germline): Benign (1 of 4 stars; one submission).

Allele frequency attached by ClinVar (database versions not stated): 1000 Genomes Project 0.02097; gnomAD 0.01566 and 0.01674; 1000 Genomes Project 30x 0.02077; TOPMed 0.01720; gnomAD exomes 0.00157.
gnomAD v4.1: 4,407 of 1,384,020 alleles (0.32%); highest among the groups gnomAD compares: African/African-American, 5.5%; 107 homozygotes.

Submissions (5):

GeneDx
Classification: Benign. Last evaluated: 2018-06-14. Review status: criteria provided, single submitter. Criteria: GeneDx Variant Classification (06012015). Collection method: clinical testing. Allele origin: germline. Affected: yes.
Comment: This variant is considered likely benign or benign based on one or more of the following criteria: it is a conservative change, it occurs at a poorly conserved position in the protein, it is predicted to be benign by multiple in silico algorithms, and/or has population frequency not consistent with disease.

Dr. Peter K. Rogan Lab, Western University
No classification provided (evidence only). Condition: Uterine corpus endometrial carcinoma. Review status: no classification provided. Collection method: in vitro. Allele origin: not applicable. Functional consequence: retained intron. Not counted in ClinVar's aggregate classification.

Dr. Peter K. Rogan Lab, Western University
No classification provided (evidence only). Condition: Uterine corpus endometrial carcinoma. Review status: no classification provided. Collection method: in vitro. Allele origin: not applicable. Functional consequence: skipped exon, retained intron. Not counted in ClinVar's aggregate classification.

Dr. Peter K. Rogan Lab, Western University
No classification provided (evidence only). Condition: Sarcoma. Review status: no classification provided. Collection method: in vitro. Allele origin: not applicable. Functional consequence: skipped exon. Not counted in ClinVar's aggregate classification.

Dr. Peter K. Rogan Lab, Western University
No classification provided (evidence only). Condition: Cholangiocarcinoma. Review status: no classification provided. Collection method: in vitro. Allele origin: not applicable. Functional consequence: skipped exon. Not counted in ClinVar's aggregate classification.

NM_020745.4(AARS2):c.1150-102T>A

Gene: AARS2 (alanyl-tRNA synthetase 2, mitochondrial; minus strand). Cytogenetic location: 6p21.1.
Variant type: single nucleotide variant.
Coding change: c.1150-102T>A on transcript NM_020745.4 (MANE Select); 102 bases into the intron before coding-DNA position 1150, T replaced by A.
Molecular consequence: intron variant.
Genome position (GRCh38, 1-based): chr6:44,306,634, A>T on the plus strand (T>A on the coding strand, the complement: AARS2 is on the minus strand). VCF-style: chr6-44306634-A-T. GRCh37 (hg19) VCF-style: chr6-44274371-A-T.
Other names: NC_000006.11:g.44274371A>T.
Identifiers: ClinVar variation 673698 (VCV000673698.2), dbSNP rs111524510, ClinGen allele CA138390859.